The following is an entry in ClinVar:

ClinVar aggregate classification (germline): Uncertain significance. Review status: criteria provided, multiple submitters, no conflicts (2 of 4 stars). 2 submissions from 2 submitters: Uncertain significance (2). Last evaluated 2026-02-27.

Conditions:
Hereditary cancer-predisposing syndrome. Also called: Hereditary Cancer Syndrome; Neoplastic Syndromes, Hereditary; Hereditary neoplastic syndrome; Tumor predisposition. Identifiers: Orphanet 140162, MedGen C0027672, MeSH D009386, MONDO:0015356.
Tumor predisposition syndrome 3 (TPDS3). Also called: Glioma susceptibility 9; LONG TELOMERE SYNDROME, POT1-RELATED; POT1 Tumor Predisposition; Melanoma, cutaneous malignant, susceptibility to, 10. Identifiers: Orphanet 618, MedGen C4014476, MONDO:0014368, OMIM 615848.

Submissions (2):

Ambry Genetics
Classification: Uncertain significance for Hereditary cancer-predisposing syndrome. Last evaluated: 2026-02-27. Review status: criteria provided, single submitter. Criteria: Ambry Variant Classification Scheme 2023. Collection method: clinical testing. Allele origin: germline.
Comment: The p.A140T variant (also known as c.418G>A), located in coding exon 4 of the POT1 gene, results from a G to A substitution at nucleotide position 418. The alanine at codon 140 is replaced by threonine, an amino acid with similar properties. This variant was reported in individual(s) with features consistent with POT1-related tumor predisposition syndrome (Ambry internal data). This amino acid position is highly conserved in available vertebrate species. In addition, the in silico prediction for this alteration is inconclusive. Based on the available evidence, the clinical significance of this variant remains unclear.

Labcorp Genetics (formerly Invitae), Labcorp
Classification: Uncertain significance for Tumor predisposition syndrome 3. Last evaluated: 2021-07-28. Review status: criteria provided, single submitter. Criteria: Invitae Variant Classification Sherloc (09022015). Collection method: clinical testing. Allele origin: germline.
Comment: Algorithms developed to predict the effect of missense changes on protein structure and function do not agree on the potential impact of this missense change (SIFT: "Tolerated"; PolyPhen-2: "Possibly Damaging"; Align-GVGD: "Class C0"). This variant has not been reported in the literature in individuals with POT1-related disease. This variant is not present in population databases (ExAC no frequency). This sequence change replaces alanine with threonine at codon 140 of the POT1 protein (p.Ala140Thr). The alanine residue is highly conserved and there is a small physicochemical difference between alanine and threonine. In summary, the available evidence is currently insufficient to determine the role of this variant in disease. Therefore, it has been classified as a Variant of Uncertain Significance.

NM_015450.3(POT1):c.418G>A (p.Ala140Thr)

Gene: POT1 (protection of telomeres 1; minus strand). Cytogenetic location: 7q31.33.
Variant type: single nucleotide variant.
Coding change: c.418G>A on transcript NM_015450.3 (MANE Select); coding-DNA position 418, G replaced by A.
Protein change: p.Ala140Thr; replaces alanine 140 with threonine.
Molecular consequence: missense variant. On other transcripts: non-coding transcript variant (3).
Genome position (GRCh38, 1-based): chr7:124,863,478, C>T on the plus strand (G>A on the coding strand, the complement: POT1 is on the minus strand). VCF-style: chr7-124863478-C-T. GRCh37 (hg19) VCF-style: chr7-124503532-C-T.
Other names: c.25G>A, p.Ala9Thr (NM_001042594.2); short protein forms A140T, A9T.
Identifiers: ClinVar variation 541881 (VCV000541881.10), dbSNP rs1554426928, ClinGen allele CA369059454.